The following is an entry in ClinVar:

NM_001044.5(SLC6A3):c.1857G>C (p.Lys619Asn)

Gene: SLC6A3 (solute carrier family 6 member 3). Cytogenetic location: 5p15.33.
Variant type: single nucleotide variant.
Coding change: c.1857G>C on transcript NM_001044.5 (MANE Select); coding-DNA position 1857, G replaced by C.
Protein change: p.Lys619Asn; replaces lysine 619 with asparagine.
Molecular consequence: missense variant.
Genome position (GRCh38, 1-based): chr5:1,394,741, C>G on the plus strand (G>C on the coding strand, the complement: SLC6A3 is on the minus strand). VCF-style: chr5-1394741-C-G. GRCh37 (hg19) VCF-style: chr5-1394856-C-G.
Other names: p.Lys619Asn; short protein forms K619N.
Identifiers: ClinVar variation 579182 (VCV000579182.16), dbSNP rs200712598, ClinGen allele CA3185853.

ClinVar aggregate classification (germline): Conflicting classifications of pathogenicity. Review status: criteria provided, conflicting classifications (1 of 4 stars). 5 submissions from 5 submitters: Uncertain significance (4); Likely benign (1). Last evaluated 2026-06-01.

Conditions:
Inborn genetic diseases. Identifiers: MedGen C0950123, MeSH D030342.
Parkinsonism-dystonia, infantile. Identifiers: Orphanet 238455, MedGen C2751067, MONDO:0013150.

Allele frequency attached by ClinVar (database versions not stated): TOPMed 0.00016; ExAC 0.00021; gnomAD exomes 0.00022; ESP Exome Variant Server 0.00023; gnomAD 0.00026; 1000 Genomes Project 0.00040; 1000 Genomes Project 30x 0.00047.
gnomAD v4.1: 505 of 1,614,160 alleles (0.031%); highest among the groups gnomAD compares: Non-Finnish European, 0.041%; 1 homozygote.

Submissions (5):

CeGaT Center for Human Genetics Tuebingen
Classification: Uncertain significance. Last evaluated: 2026-06-01. Review status: criteria provided, single submitter. Criteria: CeGaT Center For Human Genetics Tuebingen Variant Classification Criteria Version 2. Collection method: clinical testing. Allele origin: germline. Affected: yes. Observed: 1 variant allele.
Comment: SLC6A3: PS4:Moderate, PM2:Supporting, PS3:Supporting, BP4

Labcorp Genetics (formerly Invitae), Labcorp
Classification: Likely benign for Parkinsonism-dystonia, infantile. Last evaluated: 2025-05-07. Review status: criteria provided, single submitter. Criteria: Invitae Variant Classification Sherloc (09022015). Collection method: clinical testing. Allele origin: germline.

GeneDx
Classification: Uncertain significance. Last evaluated: 2024-01-13. Review status: criteria provided, single submitter. Criteria: GeneDx Variant Classification Process June 2021. Collection method: clinical testing. Allele origin: germline. Affected: yes.
Comment: Published functional studies demonstrate a damaging effect (dopamine dysfunction via a dominant-negative effect) (PMID: 34375312); In silico analysis supports that this missense variant does not alter protein structure/function; This variant is associated with the following publications: (PMID: 37443770, 28749637, 34650206, 34375312, 24911152, 28719003, 26740555)

Mayo Clinic Laboratories, Mayo Clinic
Classification: Uncertain significance. Last evaluated: 2023-10-23. Review status: criteria provided, single submitter. Criteria: ACMG Guidelines, 2015. Collection method: clinical testing. Allele origin: germline. Observed: 1 variant allele.
Comment: BP4, PS3

Ambry Genetics
Classification: Uncertain significance for Inborn genetic diseases. Last evaluated: 2022-05-10. Review status: criteria provided, single submitter. Criteria: Ambry Variant Classification Scheme 2023. Collection method: clinical testing. Allele origin: germline.

Literature cited by the submitters: PubMed 34375312 (cited by Mayo Clinic Laboratories, Mayo Clinic).